The following is an entry in ClinVar:

ClinVar aggregate classification (germline): Likely benign. Review status: criteria provided, multiple submitters, no conflicts (2 of 4 stars). 2 submissions from 2 submitters: Likely benign (2). Last evaluated 2025-06-28.

Conditions:
Familial thoracic aortic aneurysm and aortic dissection (TAAD). Also called: Thoracic aortic aneurysms and dissections. Identifiers: Orphanet 91387, MedGen C4707243, MONDO:0019625.

Submissions (2):

Ambry Genetics
Classification: Likely benign for Familial thoracic aortic aneurysm and aortic dissection. Last evaluated: 2025-06-28. Review status: criteria provided, single submitter. Criteria: Ambry Variant Classification Scheme 2023. Collection method: clinical testing. Allele origin: germline.

GeneDx
Classification: Likely benign. Last evaluated: 2017-11-02. Review status: criteria provided, single submitter. Criteria: GeneDx Variant Classification (06012015). Collection method: clinical testing. Allele origin: germline. Affected: yes.
Comment: This variant is considered likely benign or benign based on one or more of the following criteria: it is a conservative change, it occurs at a poorly conserved position in the protein, it is predicted to be benign by multiple in silico algorithms, and/or has population frequency not consistent with disease.

NM_005120.3(MED12):c.3456C>T (p.Ile1152=)

Gene: MED12 (mediator complex subunit 12; plus strand). Cytogenetic location: Xq13.1.
Variant type: single nucleotide variant.
Coding change: c.3456C>T on transcript NM_005120.3 (MANE Select); coding-DNA position 3456, C replaced by T.
Protein change: p.Ile1152=; no amino-acid change (isoleucine 1152 retained).
Molecular consequence: synonymous variant.
Genome position (GRCh38, 1-based): chrX:71,128,699, C>T. VCF-style: chrX-71128699-C-T. GRCh37 (hg19) VCF-style: chrX-70348549-C-T.
Identifiers: ClinVar variation 513036 (VCV000513036.2), dbSNP rs1556336642, ClinGen allele CA516720976.